The following is an entry in ClinVar:

ClinVar aggregate classification (germline): Uncertain significance. Review status: criteria provided, multiple submitters, no conflicts (2 of 4 stars). 2 submissions from 2 submitters: Uncertain significance (2). Last evaluated 2022-03-08.

Conditions:
Hereditary cancer-predisposing syndrome. Also called: Neoplastic Syndromes, Hereditary; Tumor predisposition; Hereditary Cancer Syndrome; Hereditary neoplastic syndrome. Identifiers: Orphanet 140162, MedGen C0027672, MeSH D009386, MONDO:0015356.

gnomAD v4.1: 1 of 1,613,426 alleles (0.000062%); highest among the groups gnomAD compares: Non-Finnish European, 0.000085%; no homozygotes.

Submissions (2):

Labcorp Genetics (formerly Invitae), Labcorp
Classification: Uncertain significance for Hereditary cancer-predisposing syndrome. Last evaluated: 2022-03-08. Review status: criteria provided, single submitter. Criteria: Invitae Variant Classification Sherloc (09022015). Collection method: clinical testing. Allele origin: germline.
Comment: In summary, the available evidence is currently insufficient to determine the role of this variant in disease. Therefore, it has been classified as a Variant of Uncertain Significance. Algorithms developed to predict the effect of missense changes on protein structure and function (SIFT, PolyPhen-2, Align-GVGD) all suggest that this variant is likely to be tolerated. ClinVar contains an entry for this variant (Variation ID: 232239). This variant has not been reported in the literature in individuals affected with RAD50-related conditions. This variant is not present in population databases (gnomAD no frequency). This sequence change replaces glutamic acid, which is acidic and polar, with aspartic acid, which is acidic and polar, at codon 746 of the RAD50 protein (p.Glu746Asp).

Ambry Genetics
Classification: Uncertain significance for Hereditary cancer-predisposing syndrome. Last evaluated: 2015-06-08. Review status: criteria provided, single submitter. Criteria: Ambry Variant Classification Scheme 2023. Collection method: clinical testing. Allele origin: germline.
Comment: The p.E746D variant (also known as c.2238A>C), located in coding exon 14 of the RAD50 gene, results from an A to C substitution at nucleotide position 2238. The glutamic acid at codon 746 is replaced by aspartic acid, an amino acid with highly similar properties. This variant was not reported in population based cohorts in the following databases: Database of Single Nucleotide Polymorphisms (dbSNP), NHLBI Exome Sequencing Project (ESP), and 1000 Genomes Project. In the ESP, this variant was not observed in 6503 samples (13006 alleles) with coverage at this position. To date, this alteration has been detected with an allele frequency of approximately 0.002% (greater than 65000 alleles tested) in our clinical cohort. This amino acid position is well conserved in available vertebrate species. In addition, this alteration is predicted to be tolerated by in silico analysis. Since supporting evidence is limited at this time, the clinical significance of p.E746D remains unclear.

NM_005732.4(RAD50):c.2238A>C (p.Glu746Asp)

Gene: RAD50 (RAD50 double strand break repair protein; plus strand). Cytogenetic location: 5q31.1.
Variant type: single nucleotide variant.
Coding change: c.2238A>C on transcript NM_005732.4 (MANE Select); coding-DNA position 2238, A replaced by C.
Protein change: p.Glu746Asp; replaces glutamic acid 746 with aspartic acid.
Molecular consequence: missense variant.
Genome position (GRCh38, 1-based): chr5:132,603,330, A>C. VCF-style: chr5-132603330-A-C. GRCh37 (hg19) VCF-style: chr5-131939022-A-C.
Other names: short protein forms E746D.
Identifiers: ClinVar variation 232239 (VCV000232239.15), dbSNP rs876659641, ClinGen allele CA10578557.